The following is an entry in ClinVar:

NM_005236.3(ERCC4):c.*1708G>A

Gene: ERCC4 (ERCC excision repair 4, endonuclease catalytic subunit; plus strand). Cytogenetic location: 16p13.12.
Variant type: single nucleotide variant.
Coding change: c.*1708G>A on transcript NM_005236.3 (MANE Select); 1708 bases downstream of the stop codon, G replaced by A.
Molecular consequence: 3 prime UTR variant.
Genome position (GRCh38, 1-based): chr16:13,950,055, G>A. VCF-style: chr16-13950055-G-A. GRCh37 (hg19) VCF-style: chr16-14043912-G-A.
Identifiers: ClinVar variation 317845 (VCV000317845.5), dbSNP rs528435639, ClinGen allele CA10642926.

ClinVar aggregate classification (germline): Likely benign (1 of 4 stars; one submission).

Conditions:
Xeroderma pigmentosum, group F (XPF). Also called: XERODERMA PIGMENTOSUM, COMPLEMENTATION GROUP F; XERODERMA PIGMENTOSUM VI; XP, GROUP F; ERCC4-Related Xeroderma Pigmentosum; XERODERMA PIGMENTOSUM, TYPE F; Xeroderma pigmentosum, type 6. Identifiers: MedGen C0268140, MONDO:0010215, OMIM 278760.

Allele frequency attached by ClinVar (database versions not stated): 1000 Genomes Project 0.00100; 1000 Genomes Project 30x 0.00141; TOPMed 0.00201; gnomAD 0.00278 and 0.00281; gnomAD exomes 0.00319.

Submission:

Illumina Laboratory Services, Illumina
Classification: Likely benign for Xeroderma pigmentosum, group F. Last evaluated: 2018-01-13. Review status: criteria provided, single submitter. Criteria: ICSL Variant Classification Criteria 13 December 2019. Collection method: clinical testing. Allele origin: germline.
Comment: This variant was observed in the ICSL laboratory as part of a predisposition screen in an ostensibly healthy population. It had not been previously curated by ICSL or reported in the Human Gene Mutation Database (HGMD: prior to June 1st, 2018), and was therefore a candidate for classification through an automated scoring system. Utilizing variant allele frequency, disease prevalence and penetrance estimates, and inheritance mode, an automated score was calculated to assess if this variant is too frequent to cause the disease. Based on the score and internal cut-off values, a variant classified as likely benign is not then subjected to further curation. The score for this variant resulted in a classification of likely benign for this disease.